The following is an entry in ClinVar:

ClinVar aggregate classification (germline): Uncertain significance. Review status: criteria provided, multiple submitters, no conflicts (2 of 4 stars). 4 submissions from 4 submitters: Uncertain significance (3). 1 of the submissions does not count toward it. Last evaluated 2026-02-19.

Conditions:
Cystic fibrosis (CF). Also called: MUCOVISCIDOSIS. Identifiers: Orphanet 586, MedGen C0010674, MONDO:0009061, OMIM 219700. Disease mechanism: loss of function.

Submissions (4):

Women's Health and Genetics/Laboratory Corporation of America, LabCorp
Classification: Uncertain significance. Last evaluated: 2026-02-19. Review status: criteria provided, single submitter. Criteria: LabCorp Variant Classification Summary - May 2015. Collection method: clinical testing. Allele origin: germline.
Comment: Variant summary: CFTR c.4241T>C (p.Leu1414Ser) results in a non-conservative amino acid change in the encoded protein sequence. Algorithms developed to predict the effect of missense changes on protein structure and function all suggest that this variant is likely to be disruptive. Consensus agreement among computation tools predict no significant impact on normal splicing. However, these predictions have yet to be confirmed by functional studies. The variant was absent in 250642 control chromosomes. The available data on variant occurrences in the general population are insufficient to allow any conclusion about variant significance. c.4241T>C has been observed in individual(s) affected with Congenital Bilateral Absence Of The Vas Deferens (Picci_2010). These data do not allow any conclusion about variant significance. To our knowledge, no experimental evidence demonstrating an impact on protein function has been reported. The following publications have been ascertained in the context of this evaluation (PMID: 19897426, 34764021). ClinVar contains an entry for this variant (Variation ID: 53927). Based on the evidence outlined above, the variant was classified as uncertain significance.

Institute of Human Genetics, University of Leipzig Medical Center
Classification: Uncertain significance for Cystic fibrosis. Last evaluated: 2022-09-05. Review status: criteria provided, single submitter. Criteria: ACMG Guidelines, 2015. Collection method: curation. Allele origin: unknown. Affected: yes. Observed: 1 variant allele.
Comment: The variant was classified in the context of a project re-classifying variants in the German Cystic Fibrosis Registry (Muko.e.V.). Criteria applied: PM3, PM2_SUP, PP3

Eurofins Ntd Llc (ga)
Classification: Uncertain significance. Last evaluated: 2018-02-01. Review status: criteria provided, single submitter. Criteria: EGL Classification Definitions 2015. Collection method: clinical testing. Allele origin: germline. Observed: 1 variant allele, 1 heterozygote.

ClinVar Staff, National Center for Biotechnology Information (NCBI)
No classification provided. Condition: CFTR-related disorders. Review status: no classification provided. Collection method: literature only. Allele origin: germline. Affected: yes. Not counted in ClinVar's aggregate classification.

Literature cited by the submitters: PubMed 19897426 (cited by Women's Health and Genetics/Laboratory Corporation of America, LabCorp); PubMed 34764021 (cited by Women's Health and Genetics/Laboratory Corporation of America, LabCorp); PubMed 20059485 (cited by ClinVar Staff, National Center for Biotechnology Information (NCBI)).

NM_000492.4(CFTR):c.4241T>C (p.Leu1414Ser)

Gene: CFTR (CF transmembrane conductance regulator; plus strand). Cytogenetic location: 7q31.2.
Variant type: single nucleotide variant.
Coding change: c.4241T>C on transcript NM_000492.4 (MANE Select); coding-DNA position 4241, T replaced by C.
Protein change: p.Leu1414Ser; replaces leucine 1414 with serine.
Molecular consequence: missense variant.
Genome position (GRCh38, 1-based): chr7:117,665,563, T>C. VCF-style: chr7-117665563-T-C. GRCh37 (hg19) VCF-style: chr7-117305617-T-C.
Other names: short protein forms L1414S.
Identifiers: ClinVar variation 53927 (VCV000053927.7), dbSNP rs397508703, ClinGen allele CA327463.
Genomic context (GRCh38, chr7:117,665,563, plus strand): 5'-ATTGCACAGTAATTCTCTGTGAACACAGGATAGAAGCAATGCTGGAATGCCAACAATTTT[T>C]GGTGAGTCTTTATAACTTTACTTAAGATCTCATTGCCCTTGTAATTCTTGATAACAATCT-3'
Protein context (NP_000483.3, residues 1404-1424): IEAMLECQQF[Leu1414Ser]VIEENKVRQY